The following is an entry in ClinVar:

NM_000059.4(BRCA2):c.7047del (p.Phe2349fs)

Gene: BRCA2 (BRCA2 DNA repair associated; plus strand). Cytogenetic location: 13q13.1.
Variant type: Deletion.
Coding change: c.7047del on transcript NM_000059.4 (MANE Select); coding-DNA position 7047, one base deleted (T; older notation c.7047delT).
Protein change: p.Phe2349fs; shifts the reading frame from phenylalanine 2349.
Molecular consequence: frameshift variant.
Genome position (GRCh38, 1-based): chr13:32,354,900, T deleted; the last of 4 consecutive T bases (chr13:32,354,897-32,354,900); deleting any one gives the same sequence. VCF-style (leftmost placement, unchanged base first): chr13-32354896-AT-A. GRCh37 (hg19) VCF-style: chr13-32929033-AT-A.
Other names: 7275delT-ter2365; c.7047delT (NM_000059.3).
Identifiers: ClinVar variation 52255 (VCV000052255.11), dbSNP rs397507893, ClinGen allele CA024786.

ClinVar aggregate classification (germline): Pathogenic. Review status: reviewed by expert panel (3 of 4 stars). 4 submissions from 4 submitters: Pathogenic (1). 3 of the submissions do not count toward it. Last evaluated 2016-10-18.

Conditions:
Hereditary cancer-predisposing syndrome. Also called: Neoplastic Syndromes, Hereditary; Tumor predisposition; Hereditary neoplastic syndrome; Hereditary Cancer Syndrome. Identifiers: Orphanet 140162, MedGen C0027672, MeSH D009386, MONDO:0015356.
Breast-ovarian cancer, familial, susceptibility to, 2 (BROVCA2). Also called: BRCA2 Hereditary Breast and Ovarian Cancer. Identifiers: Orphanet 145, MedGen C2675520, MONDO:0012933, OMIM 612555. Disease mechanism: loss of function.

Submissions (4):

Evidence-based Network for the Interpretation of Germline Mutant Alleles (ENIGMA)
Classification: Pathogenic for Breast-ovarian cancer, familial, susceptibility to, 2. Last evaluated: 2016-10-18. Review status: reviewed by expert panel. Criteria: ENIGMA BRCA1/2 Classification Criteria (2015). Collection method: curation. Allele origin: germline.
Comment: Variant allele predicted to encode a truncated non-functional protein.

Ambry Genetics
Classification: Pathogenic for Hereditary cancer-predisposing syndrome. Last evaluated: 2024-08-21. Review status: criteria provided, single submitter. Criteria: Ambry Variant Classification Scheme 2023. Collection method: clinical testing. Allele origin: germline. Not counted in ClinVar's aggregate classification.
Comment: The c.7047delT pathogenic mutation, located in coding exon 13 of the BRCA2 gene, results from a deletion of one nucleotide at nucleotide position 7047, causing a translational frameshift with a predicted alternate stop codon (p.F2349Lfs*18). This variant is considered to be rare based on population cohorts in the Genome Aggregation Database (gnomAD). This alteration is expected to result in loss of function by premature protein truncation or nonsense-mediated mRNA decay. As such, this alteration is interpreted as a disease-causing mutation.

Color Diagnostics, LLC DBA Color Health
Classification: Pathogenic for Hereditary cancer-predisposing syndrome. Last evaluated: 2020-03-09. Review status: criteria provided, single submitter. Criteria: ACMG Guidelines, 2015. Collection method: clinical testing. Allele origin: germline. Not counted in ClinVar's aggregate classification.
Comment: This variant deletes 1 nucleotide in exon 14 of the BRCA2 gene, creating a frameshift and premature translation stop signal. This variant is expected to result in an absent or non-functional protein product. To our knowledge, this variant has not been reported in individuals affected with hereditary cancer in the literature. This variant has not been identified in the general population by the Genome Aggregation Database (gnomAD). Loss of BRCA2 function is a known mechanism of disease. Based on the available evidence, this variant is classified as Pathogenic.

Consortium of Investigators of Modifiers of BRCA1/2 (CIMBA), c/o University of Cambridge
Classification: Pathogenic for Breast-ovarian cancer, familial, susceptibility to, 2. Last evaluated: 2015-10-02. Review status: criteria provided, single submitter. Criteria: CIMBA Mutation Classification guidelines May 2016. Collection method: clinical testing. Allele origin: germline. Not counted in ClinVar's aggregate classification.